The following is an entry in ClinVar:

NM_138927.4(SON):c.8C>A (p.Thr3Asn)

Gene: SON (SON DNA and RNA binding protein; plus strand). Cytogenetic location: 21q22.11.
Variant type: single nucleotide variant.
Coding change: c.8C>A on transcript NM_138927.4 (MANE Select); coding-DNA position 8, C replaced by A.
Protein change: p.Thr3Asn; replaces threonine 3 with asparagine.
Molecular consequence: missense variant. On other transcripts: non-coding transcript variant (1).
Genome position (GRCh38, 1-based): chr21:33,543,100, C>A. VCF-style: chr21-33543100-C-A. GRCh37 (hg19) VCF-style: chr21-34915406-C-A.
Other names: c.8C>A, p.Thr3Asn (NM_001291411.2, NM_001291412.3, NM_032195.3); short protein forms T3N.
Identifiers: ClinVar variation 3686724 (VCV003686724.2).

ClinVar aggregate classification (germline): Uncertain significance (1 of 4 stars; one submission).

gnomAD v4.1: 12 of 1,614,128 alleles (0.00074%); highest among the groups gnomAD compares: Non-Finnish European, 0.001%; no homozygotes.

Submission:

Labcorp Genetics (formerly Invitae), Labcorp
Classification: Uncertain significance. Last evaluated: 2024-10-15. Review status: criteria provided, single submitter. Criteria: Invitae Variant Classification Sherloc (09022015). Collection method: clinical testing. Allele origin: germline.
Comment: This sequence change replaces threonine, which is neutral and polar, with asparagine, which is neutral and polar, at codon 3 of the SON protein (p.Thr3Asn). The frequency data for this variant in the population databases is considered unreliable, as metrics indicate poor data quality at this position in the gnomAD database. This variant has not been reported in the literature in individuals affected with SON-related conditions. An algorithm developed to predict the effect of missense changes on protein structure and function (PolyPhen-2) suggests that this variant is likely to be disruptive. In summary, the available evidence is currently insufficient to determine the role of this variant in disease. Therefore, it has been classified as a Variant of Uncertain Significance.